The following is an entry in ClinVar:

NM_004448.4(ERBB2):c.2125C>G (p.Gln709Glu)

Gene: ERBB2 (erb-b2 receptor tyrosine kinase 2; plus strand). Cytogenetic location: 17q12.
Variant type: single nucleotide variant.
Coding change: c.2125C>G on transcript NM_004448.4 (MANE Select); coding-DNA position 2125, C replaced by G.
Protein change: p.Gln709Glu; replaces glutamine 709 with glutamic acid.
Molecular consequence: missense variant. On other transcripts: non-coding transcript variant (1), intron variant (2).
Genome position (GRCh38, 1-based): chr17:39,723,577, C>G. VCF-style: chr17-39723577-C-G. GRCh37 (hg19) VCF-style: chr17-37879830-C-G.
Other names: c.2035C>G, p.Gln679Glu (NM_001005862.3, NM_001382782.1, NM_001382783.1); c.2080C>G, p.Gln694Glu (NM_001289936.2); c.2125C>G, p.Gln709Glu (NM_001289937.2, NM_001382792.1, NM_001382793.1 and 6 more transcripts); c.2242C>G, p.Gln748Glu (NM_001382784.1, NM_001382786.1); c.2227C>G, p.Gln743Glu (NM_001382785.1); c.2200C>G, p.Gln734Glu (NM_001382787.1); c.2155C>G, p.Gln719Glu (NM_001382788.1); c.2146C>G, p.Gln716Glu (NM_001382789.1); and 8 more; short protein forms Q694E, Q706E, Q716E, Q719E, Q734E, Q743E, Q649E, Q693E.
Identifiers: ClinVar variation 3676417 (VCV003676417.2).
Genomic context (GRCh38, chr17:39,723,577, plus strand): 5'-CCCACCACCCCCTCACCCCAGCTGGTGGAGCCGCTGACACCTAGCGGAGCGATGCCCAAC[C>G]AGGCGCAGATGCGGATCCTGAAAGAGACGGAGCTGAGGAAGGTGAAGGTGCTTGGATCTG-3'
Protein context (NP_004439.2, residues 699-719): PLTPSGAMPN[Gln709Glu]AQMRILKETE

ClinVar aggregate classification (germline): Uncertain significance (1 of 4 stars; one submission).

Submission:

Labcorp Genetics (formerly Invitae), Labcorp
Classification: Uncertain significance. Last evaluated: 2025-01-23. Review status: criteria provided, single submitter. Criteria: Invitae Variant Classification Sherloc (09022015). Collection method: clinical testing. Allele origin: germline.
Comment: This sequence change replaces glutamine, which is neutral and polar, with glutamic acid, which is acidic and polar, at codon 709 of the ERBB2 protein (p.Gln709Glu). This variant is not present in population databases (gnomAD no frequency). This variant has not been reported in the literature in individuals affected with ERBB2-related conditions. Invitae Evidence Modeling of protein sequence and biophysical properties (such as structural, functional, and spatial information, amino acid conservation, physicochemical variation, residue mobility, and thermodynamic stability) indicates that this missense variant is not expected to disrupt ERBB2 protein function with a negative predictive value of 80%. In summary, the available evidence is currently insufficient to determine the role of this variant in disease. Therefore, it has been classified as a Variant of Uncertain Significance.